The following is an entry in ClinVar:

ClinVar aggregate classification (germline): Likely pathogenic. Review status: criteria provided, multiple submitters, no conflicts (2 of 4 stars). 3 submissions from 3 submitters: Likely pathogenic (2). 1 of the submissions does not count toward it. Last evaluated 2026-03-12.

Conditions:
Primary hypomagnesemia (HOMG3). Also called: HYPOMAGNESEMIA 3, RENAL; HYPOMAGNESEMIA, FAMILIAL, WITH HYPERCALCIURIA AND NEPHROCALCINOSIS; HYPOMAGNESEMIA, ISOLATED RENAL; HYPOMAGNESEMIA, PRIMARY, DUE TO DEFECT IN RENAL TUBULAR TRANSPORT OF MAGNESIUM. Identifiers: Orphanet 31043, MedGen C0268448, MONDO:0009550, OMIM 248250.

Submissions (3):

Victorian Clinical Genetics Services, Murdoch Childrens Research Institute
Classification: Likely pathogenic for Primary hypomagnesemia. Last evaluated: 2026-03-12. Review status: criteria provided, single submitter. Criteria: ACMG Guidelines, 2015. Collection method: clinical testing. Allele origin: germline. Affected: yes.
Comment: This variant is classified as Likely pathogenic. Evidence in support of pathogenic classification: Variant is absent from gnomAD (v2, v3 and v4); This variant has limited previous evidence of pathogenicity in unrelated individual(s). This variant has been classified as likely pathogenic and pathogenic by clinical laboratories in ClinVar, both listing primary hypomagnesaemia as the condition; Very strong and specific phenotype match for this individual. Additional information: Variant is predicted to result in a missense amino acid change from Asp to Asn; This variant is homozygous; This gene is associated with autosomal recessive disease; Alternative amino acid change(s) at the same position are present in gnomAD (v4: 14 heterozygote(s), 0 homozygote(s)). - No published evidence of segregation with disease has been identified for this variant; No published functional evidence has been identified for this variant; No comparable missense variants have previous evidence for pathogenicity; Variant is located in the annotated PMP-22/EMP/MP20/Claudin family domain (DECIPHER) - Missense variant with inconclusive in silico prediction and/or uninformative conservation; Loss of function is a known mechanism of disease in this gene and is associated with hypomagnesemia 3, renal (MIM#248250); Inheritance information for this variant is not currently available in this individual.

Suma Genomics
Classification: Likely pathogenic for Primary hypomagnesemia. Review status: criteria provided, single submitter. Criteria: ACMG Guidelines, 2015. Collection method: clinical testing. Allele origin: unknown. Inheritance: Autosomal recessive inheritance. Affected: yes.

Felix Claverie-Martin Laboratory, Hospital Universitario Nuestra Senora de Candelaria
Classification: Pathogenic for Primary hypomagnesemia. Review status: no assertion criteria provided. Collection method: clinical testing. Allele origin: germline. Inheritance: Autosomal recessive inheritance. Affected: yes. Observed: 1 variant allele, 1 compound heterozygote. Not counted in ClinVar's aggregate classification.

NM_006580.4(CLDN16):c.103G>A (p.Asp35Asn)

Gene: CLDN16 (claudin 16; plus strand). Cytogenetic location: 3q28.
Variant type: single nucleotide variant.
Coding change: c.103G>A on transcript NM_006580.4 (MANE Select); coding-DNA position 103, G replaced by A.
Protein change: p.Asp35Asn; replaces aspartic acid 35 with asparagine.
Molecular consequence: missense variant.
Genome position (GRCh38, 1-based): chr3:190,388,432, G>A. VCF-style: chr3-190388432-G-A. GRCh37 (hg19) VCF-style: chr3-190106221-G-A.
Other names: c.313G>A (NM_006580.3); c.103G>A, p.Asp35Asn (NM_001378493.1, NM_001378492.1); short protein forms D35N.
Identifiers: ClinVar variation 1202638 (VCV001202638.7), dbSNP rs2108658339, ClinGen allele CA355762807.